The following is an entry in ClinVar:

ClinVar aggregate classification (germline): Uncertain significance (1 of 4 stars; one submission).

Submission:

CeGaT Center for Human Genetics Tuebingen
Classification: Uncertain significance. Last evaluated: 2023-05-01. Review status: criteria provided, single submitter. Criteria: CeGaT Center For Human Genetics Tuebingen Variant Classification Criteria Version 2. Collection method: clinical testing. Allele origin: germline. Affected: yes. Observed: 1 variant allele.
Comment: NIPBL: PM2, PS2:Moderate, PP3

NM_133433.4(NIPBL):c.1501C>G (p.Pro501Ala)

Gene: NIPBL (NIPBL cohesin loading factor; plus strand). Cytogenetic location: 5p13.2.
Variant type: single nucleotide variant.
Coding change: c.1501C>G on transcript NM_133433.4 (MANE Select); coding-DNA position 1501, C replaced by G.
Protein change: p.Pro501Ala; replaces proline 501 with alanine.
Molecular consequence: missense variant.
Genome position (GRCh38, 1-based): chr5:36,984,681, C>G. VCF-style: chr5-36984681-C-G. GRCh37 (hg19) VCF-style: chr5-36984783-C-G.
Other names: c.1501C>G, p.Pro501Ala (NM_015384.5); short protein forms P501A.
Identifiers: ClinVar variation 1711603 (VCV001711603.30), dbSNP rs2477916928, ClinGen allele CA359492511.